The following is an entry in ClinVar:

NM_000548.5(TSC2):c.5169A>G (p.Ser1723=)

Gene: TSC2 (TSC complex subunit 2; plus strand). Cytogenetic location: 16p13.3.
Variant type: single nucleotide variant.
Coding change: c.5169A>G on transcript NM_000548.5 (MANE Select); coding-DNA position 5169, A replaced by G.
Protein change: p.Ser1723=; no amino-acid change (serine 1723 retained).
Molecular consequence: synonymous variant. On other transcripts: intron variant (1).
Genome position (GRCh38, 1-based): chr16:2,088,235, A>G. VCF-style: chr16-2088235-A-G. GRCh37 (hg19) VCF-style: chr16-2138236-A-G.
Other names: c.4968A>G, p.Ser1656= (NM_001077183.3); c.5100A>G, p.Ser1700= (NM_001114382.3); c.4860A>G, p.Ser1620= (NM_001318827.2); c.4824A>G, p.Ser1608= (NM_001318829.2); c.5037A>G, p.Ser1679= (NM_001370404.1); c.5040A>G, p.Ser1680= (NM_021055.3); c.4437A>G, p.Ser1479= (NM_001318831.2); c.5001A>G, p.Ser1667= (NM_001318832.2); and 2 more.
Identifiers: ClinVar variation 1143681 (VCV001143681.13), dbSNP rs1567131059, ClinGen allele CA493043736.

ClinVar aggregate classification (germline): Benign/Likely benign. Review status: criteria provided, multiple submitters, no conflicts (2 of 4 stars). 4 submissions from 4 submitters: Benign (1); Likely benign (3). Last evaluated 2026-01-11.

Conditions:
Tuberous sclerosis 2 (TSC2). Identifiers: Orphanet 805, MedGen C1860707, MONDO:0013199, OMIM 613254.
Lymphangiomyomatosis (LAM). Also called: Lymphangioleiomyomatosis; Lymphangioleiomyomatosis, somatic. Identifiers: Orphanet 538, MedGen C0751674, MONDO:0011705, OMIM 606690.
Isolated focal cortical dysplasia type II (FCORD2). Also called: CORTICAL DYSPLASIA OF TAYLOR; Focal cortical dysplasia type II. Identifiers: Orphanet 268994, MedGen C1846385, MONDO:0011818, OMIM 607341, HP:0032051.
Hereditary cancer-predisposing syndrome. Also called: Hereditary neoplastic syndrome; Tumor predisposition; Neoplastic Syndromes, Hereditary; Hereditary Cancer Syndrome. Identifiers: Orphanet 140162, MedGen C0027672, MeSH D009386, MONDO:0015356.

Allele frequency attached by ClinVar (database versions not stated): gnomAD exomes below 0.00001.
gnomAD v4.1: 1 of 1,613,128 alleles (0.000062%); highest among the groups gnomAD compares: Admixed American, 0.0017%; no homozygotes.

Submissions (4):

Labcorp Genetics (formerly Invitae), Labcorp
Classification: Likely benign for Tuberous sclerosis 2. Last evaluated: 2026-01-11. Review status: criteria provided, single submitter. Criteria: Invitae Variant Classification Sherloc (09022015). Collection method: clinical testing. Allele origin: germline.

Myriad Genetics, Inc.
Classification: Benign for Tuberous sclerosis 2. Last evaluated: 2025-06-06. Review status: criteria provided, single submitter. Criteria: Myriad Autosomal Dominant, Autosomal Recessive and X-Linked Classification Criteria (2023). Collection method: clinical testing. Allele origin: unknown.
Comment: This variant is considered benign. This variant is a silent/synonymous amino acid change and it is not expected to impact splicing.

Fulgent Genetics
Classification: Likely benign for Lymphangiomyomatosis; Isolated focal cortical dysplasia type II; Tuberous sclerosis 2. Last evaluated: 2021-10-26. Review status: criteria provided, single submitter. Criteria: ACMG Guidelines, 2015. Collection method: clinical testing. Allele origin: unknown.

Ambry Genetics
Classification: Likely benign for Hereditary cancer-predisposing syndrome. Last evaluated: 2019-03-02. Review status: criteria provided, single submitter. Criteria: Ambry Variant Classification Scheme 2023. Collection method: clinical testing. Allele origin: germline.